The following is an entry in ClinVar:

NM_152683.4(PRIMPOL):c.33A>T (p.Gln11His)

Gene: PRIMPOL (primase and DNA directed polymerase; plus strand). Cytogenetic location: 4q35.1.
Variant type: single nucleotide variant.
Coding change: c.33A>T on transcript NM_152683.4 (MANE Select); coding-DNA position 33, A replaced by T.
Protein change: p.Gln11His; replaces glutamine 11 with histidine.
Molecular consequence: missense variant. On other transcripts: 5 prime UTR variant (4), non-coding transcript variant (3), intron variant (2).
Genome position (GRCh38, 1-based): chr4:184,657,173, A>T. VCF-style: chr4-184657173-A-T. GRCh37 (hg19) VCF-style: chr4-185578327-A-T.
Other names: c.33A>T, p.Gln11His (NM_001300768.2, NM_001345891.2, NM_001345892.2 and 4 more transcripts); c.-534A>T (NM_001345894.2, NM_001345897.2, NM_001345898.2); c.-215A>T (NM_001345900.2); c.-207-2167A>T (NM_001300767.2); c.-386-2167A>T (NM_001345901.2); short protein forms Q11H.
Identifiers: ClinVar variation 3053134 (VCV003053134.2), dbSNP rs148634809, ClinGen allele CA3154166.
Genomic context (GRCh38, chr4:184,657,173, plus strand): 5'-GATTTATTCTCTCCACACTTCTGAACCAATGAATAGAAAATGGGAAGCAAAACTGAAGCA[A>T]ATTGAAGAACGAGCATCTCATTATGAGAGGAAACCGTTGTCCTCAGTGTATAGACCAAGA-3'
Protein context (NP_689896.1, residues 1-21): MNRKWEAKLK[Gln11His]IEERASHYER

ClinVar aggregate classification (germline): Benign (0 of 4 stars; one submission).

Conditions:
PRIMPOL-related disorder. Also called: PRIMPOL-related condition.

Allele frequency attached by ClinVar (database versions not stated): ExAC 0.00105; gnomAD 0.00338; 1000 Genomes Project 0.00359; 1000 Genomes Project 30x 0.00375; ESP Exome Variant Server 0.00400; TOPMed 0.00411.
gnomAD v4.1: 1,118 of 1,611,176 alleles (0.069%); highest among the groups gnomAD compares: African/African-American, 1.1%; 5 homozygotes.

Submission:

PreventionGenetics, part of Exact Sciences
Classification: Benign for PRIMPOL-related condition. Last evaluated: 2024-02-12. Review status: no assertion criteria provided. Collection method: clinical testing. Allele origin: germline.
Comment: This variant is classified as benign based on ACMG/AMP sequence variant interpretation guidelines (Richards et al. 2015 PMID: 25741868, with internal and published modifications).